The following is an entry in ClinVar:

NM_001367624.2(ZNF469):c.4611C>T (p.Gly1537=)

Gene: ZNF469 (zinc finger protein 469; plus strand). Cytogenetic location: 16q24.2.
Variant type: single nucleotide variant.
Coding change: c.4611C>T on transcript NM_001367624.2 (MANE Select); coding-DNA position 4611, C replaced by T.
Protein change: p.Gly1537=; no amino-acid change (glycine 1537 retained).
Molecular consequence: synonymous variant.
Genome position (GRCh38, 1-based): chr16:88,432,081, C>T. VCF-style: chr16-88432081-C-T. GRCh37 (hg19) VCF-style: chr16-88498489-C-T.
Other names: NM_001127464.1:c.4527C>T.
Identifiers: ClinVar variation 512812 (VCV000512812.10), dbSNP rs775651401, ClinGen allele CA8224986.

ClinVar aggregate classification (germline): Likely benign. Review status: criteria provided, multiple submitters, no conflicts (2 of 4 stars). 3 submissions from 3 submitters: Likely benign (3). Last evaluated 2025-02-11.

Conditions:
Cardiovascular phenotype. Identifiers: MedGen CN230736.

Allele frequency attached by ClinVar (database versions not stated): gnomAD exomes 0.00001 and 0.00004; TOPMed 0.00001; ExAC 0.00005.
gnomAD v4.1: 12 of 1,550,400 alleles (0.00077%); highest among the groups gnomAD compares: Admixed American, 0.0098%; no homozygotes.

Submissions (3):

Labcorp Genetics (formerly Invitae), Labcorp
Classification: Likely benign. Last evaluated: 2025-02-11. Review status: criteria provided, single submitter. Criteria: Invitae Variant Classification Sherloc (09022015). Collection method: clinical testing. Allele origin: germline.

Ambry Genetics
Classification: Likely benign for Cardiovascular phenotype. Last evaluated: 2022-04-19. Review status: criteria provided, single submitter. Criteria: Ambry Variant Classification Scheme 2023. Collection method: clinical testing. Allele origin: germline.

GeneDx
Classification: Likely benign. Last evaluated: 2017-10-18. Review status: criteria provided, single submitter. Criteria: GeneDx Variant Classification (06012015). Collection method: clinical testing. Allele origin: germline. Affected: yes.
Comment: This variant is considered likely benign or benign based on one or more of the following criteria: it is a conservative change, it occurs at a poorly conserved position in the protein, it is predicted to be benign by multiple in silico algorithms, and/or has population frequency not consistent with disease.